The following is an entry in ClinVar:

NM_003002.4(SDHD):c.53-7_53-3del

Gene: SDHD (succinate dehydrogenase complex subunit D; plus strand). Cytogenetic location: 11q23.1.
Variant type: Deletion.
Coding change: c.53-7_53-3del on transcript NM_003002.4 (MANE Select); 7 bases into the intron before coding-DNA position 53 through 3 bases into the intron before coding-DNA position 53, 5 bases deleted (TCCTC; older notation c.53-7_53-3delTCCTC).
Molecular consequence: intron variant.
Genome position (GRCh38, 1-based): chr11:112,087,850-112,087,854, TCCTC deleted. VCF-style (leftmost placement, unchanged base first): chr11-112087849-TTCCTC-T. GRCh37 (hg19) VCF-style: chr11-111958573-TTCCTC-T.
Other names: c.53-7_53-3del (NM_001276506.2, NM_001276503.2); c.52+891_52+895del (NM_001276504.2).
Identifiers: ClinVar variation 1015593 (VCV001015593.11), dbSNP rs1865650219, ClinGen allele CA2000560711.
Genomic context (GRCh38, chr11:112,087,849, plus strand): 5'-ATTTAGAAAGTTTGTCAGTCCTGTTAAAGGAGAGGTTCTTATGATCATCCTAATGACTCT[TTCCTC>T]AGCTCTGTTGCTTCGAACTCCAGTGGTCAGACCTGCTCATATCTCAGCATTTCTTCAGGA-3'

ClinVar aggregate classification (germline): Conflicting classifications of pathogenicity. Review status: criteria provided, conflicting classifications (1 of 4 stars). 2 submissions from 2 submitters: Likely pathogenic (1); Uncertain significance (1). Last evaluated 2025-04-11.

Conditions:
Carney-Stratakis syndrome. Also called: PARAGANGLIOMA AND GASTROINTESTINAL STROMAL TUMOR. Identifiers: Orphanet 97286, MedGen C1847319, MONDO:0011740, OMIM 606864.
Paragangliomas with sensorineural hearing loss. Identifiers: MedGen C1868633.
Pheochromocytoma. Also called: MAX-Related Hereditary Paraganglioma-Pheochromocytoma Syndrome. Identifiers: Orphanet 29072, MedGen C0031511, MONDO:0008233, OMIM 171300, HP:0002666.
Cowden syndrome 3 (CWS3). Identifiers: Orphanet 201, MedGen CN166604, MONDO:0014045.
Hereditary cancer-predisposing syndrome. Also called: Hereditary Cancer Syndrome; Tumor predisposition; Neoplastic Syndromes, Hereditary; Hereditary neoplastic syndrome. Identifiers: Orphanet 140162, MedGen C0027672, MeSH D009386, MONDO:0015356.

Submissions (2):

Ambry Genetics
Classification: Likely pathogenic for Hereditary cancer-predisposing syndrome. Last evaluated: 2025-04-11. Review status: criteria provided, single submitter. Criteria: Ambry Variant Classification Scheme 2023. Collection method: clinical testing. Allele origin: germline.
Comment: The c.53-7_53-3delTCCTC intronic variant results from a deletion of 5 nucleotides within intron 1 of the SDHD gene. In silico splice site analysis predicts that this alteration may weaken the native splice acceptor site. RNA studies have demonstrated that this alteration results in a transcript predicted to lead to a protein with an in-frame deletion of 39 amino acids; the impacted region is critical for protein function and a significant portion of the protein is affected (Ambry internal data). In addition, this variant was not reported in population-based cohorts in the Genome Aggregation Database (gnomAD). Based on the majority of available evidence to date, this variant is likely to be pathogenic.

Labcorp Genetics (formerly Invitae), Labcorp
Classification: Uncertain significance for Carney-Stratakis syndrome; Paragangliomas with sensorineural hearing loss; Pheochromocytoma; Cowden syndrome 3. Last evaluated: 2020-06-01. Review status: criteria provided, single submitter. Criteria: Invitae Variant Classification Sherloc (09022015). Collection method: clinical testing. Allele origin: germline.
Comment: This sequence change falls in intron 1 of the SDHD gene. It does not directly change the encoded amino acid sequence of the SDHD protein, but it affects a nucleotide within the consensus splice site of the intron. This variant is not present in population databases (ExAC no frequency). This variant has not been reported in the literature in individuals with SDHD-related conditions. Nucleotide substitutions within the consensus splice site are a relatively common cause of aberrant splicing (PMID: 17576681, 9536098). Algorithms developed to predict the effect of sequence changes on RNA splicing suggest that this variant may disrupt the consensus splice site, but this prediction has not been confirmed by published transcriptional studies. In summary, the available evidence is currently insufficient to determine the role of this variant in disease. Therefore, it has been classified as a Variant of Uncertain Significance.

Literature cited by the submitters: PubMed 17576681 (cited by Labcorp Genetics (formerly Invitae), Labcorp); PubMed 9536098 (cited by Labcorp Genetics (formerly Invitae), Labcorp).